The following is an entry in ClinVar:

NM_000368.5(TSC1):c.679G>C (p.Val227Leu)

Gene: TSC1 (TSC complex subunit 1; minus strand). Cytogenetic location: 9q34.13.
Variant type: single nucleotide variant.
Coding change: c.679G>C on transcript NM_000368.5 (MANE Select); coding-DNA position 679, G replaced by C.
Protein change: p.Val227Leu; replaces valine 227 with leucine.
Molecular consequence: missense variant.
Genome position (GRCh38, 1-based): chr9:132,921,421, C>G on the plus strand (G>C on the coding strand, the complement: TSC1 is on the minus strand). VCF-style: chr9-132921421-C-G. GRCh37 (hg19) VCF-style: chr9-135796808-C-G.
Other names: c.679G>C, p.Val227Leu (NM_001162426.2); c.526G>C, p.Val176Leu (NM_001162427.2); c.316G>C, p.Val106Leu (NM_001362177.2); short protein forms V176L, V106L, V227L.
Identifiers: ClinVar variation 954375 (VCV000954375.9), dbSNP rs1846548148, ClinGen allele CA375371467.

ClinVar aggregate classification (germline): Uncertain significance. Review status: criteria provided, multiple submitters, no conflicts (2 of 4 stars). 2 submissions from 2 submitters: Uncertain significance (2). Last evaluated 2025-12-10.

Conditions:
Hereditary cancer-predisposing syndrome. Also called: Hereditary neoplastic syndrome; Tumor predisposition; Neoplastic Syndromes, Hereditary; Hereditary Cancer Syndrome. Identifiers: Orphanet 140162, MedGen C0027672, MeSH D009386, MONDO:0015356.
Tuberous sclerosis 1 (TSC1). Identifiers: Orphanet 805, MedGen C1854465, MONDO:0008612, OMIM 191100.

Submissions (2):

Ambry Genetics
Classification: Uncertain significance for Hereditary cancer-predisposing syndrome. Last evaluated: 2025-12-10. Review status: criteria provided, single submitter. Criteria: Ambry Variant Classification Scheme 2023. Collection method: clinical testing. Allele origin: germline.
Comment: The p.V227L variant (also known as c.679G>C), located in coding exon 6 of the TSC1 gene, results from a G to C substitution at nucleotide position 679. The valine at codon 227 is replaced by leucine, an amino acid with highly similar properties. This amino acid position is conserved. In addition, this alteration is predicted to be deleterious by in silico analysis. Since supporting evidence is limited at this time, the clinical significance of this alteration remains unclear.

Labcorp Genetics (formerly Invitae), Labcorp
Classification: Uncertain significance for Tuberous sclerosis 1. Last evaluated: 2021-12-09. Review status: criteria provided, single submitter. Criteria: Invitae Variant Classification Sherloc (09022015). Collection method: clinical testing. Allele origin: germline.
Comment: This sequence change replaces valine, which is neutral and non-polar, with leucine, which is neutral and non-polar, at codon 227 of the TSC1 protein (p.Val227Leu). In summary, the available evidence is currently insufficient to determine the role of this variant in disease. Therefore, it has been classified as a Variant of Uncertain Significance. Algorithms developed to predict the effect of missense changes on protein structure and function are either unavailable or do not agree on the potential impact of this missense change (SIFT: "Deleterious"; PolyPhen-2: "Probably Damaging"; Align-GVGD: "Class C0"). ClinVar contains an entry for this variant (Variation ID: 954375). This variant has not been reported in the literature in individuals affected with TSC1-related conditions. This variant is not present in population databases (gnomAD no frequency).